The following is an entry in ClinVar:

NM_000053.4(ATP7B):c.3616G>C (p.Val1206Leu)

Gene: ATP7B (ATPase copper transporting beta; minus strand). Cytogenetic location: 13q14.3.
Variant type: single nucleotide variant.
Coding change: c.3616G>C on transcript NM_000053.4 (MANE Select); coding-DNA position 3616, G replaced by C.
Protein change: p.Val1206Leu; replaces valine 1206 with leucine.
Molecular consequence: missense variant.
Genome position (GRCh38, 1-based): chr13:51,939,134, C>G on the plus strand (G>C on the coding strand, the complement: ATP7B is on the minus strand). VCF-style: chr13-51939134-C-G. GRCh37 (hg19) VCF-style: chr13-52513270-C-G.
Other names: c.3616G>C, p.Val1206Leu (NM_001406526.1, NM_001406511.1, NM_001406512.1); c.3382G>C, p.Val1128Leu (NM_001406527.1, NM_001406528.1, NM_001330578.2); c.2995G>C, p.Val999Leu (NM_001005918.3); c.3283G>C, p.Val1095Leu (NM_001243182.2); c.3364G>C, p.Val1122Leu (NM_001330579.2, NM_001406531.1, NM_001406532.1); c.3610G>C, p.Val1204Leu (NM_001406513.1); c.3583G>C, p.Val1195Leu (NM_001406514.1); c.3562G>C, p.Val1188Leu (NM_001406515.1, NM_001406516.1); and 20 more; short protein forms V1044L, V1093L, V1096L, V1147L, V979L, V990L, V1057L, V1174L.
Identifiers: ClinVar variation 2097898 (VCV002097898.4), dbSNP rs2547583896, ClinGen allele CA388024263.

ClinVar aggregate classification (germline): Uncertain significance (1 of 4 stars; one submission).

Conditions:
Wilson disease (WND). Also called: Wilson's disease. Identifiers: Orphanet 905, MedGen C0019202, MONDO:0010200, OMIM 277900. Disease mechanism: loss of function.

Submission:

Labcorp Genetics (formerly Invitae), Labcorp
Classification: Uncertain significance for Wilson disease. Last evaluated: 2022-02-17. Review status: criteria provided, single submitter. Criteria: Invitae Variant Classification Sherloc (09022015). Collection method: clinical testing. Allele origin: germline.
Comment: This variant is not present in population databases (gnomAD no frequency). This sequence change replaces valine, which is neutral and non-polar, with leucine, which is neutral and non-polar, at codon 1206 of the ATP7B protein (p.Val1206Leu). This variant has not been reported in the literature in individuals affected with ATP7B-related conditions. Algorithms developed to predict the effect of missense changes on protein structure and function are either unavailable or do not agree on the potential impact of this missense change (SIFT: "Deleterious"; PolyPhen-2: "Possibly Damaging"; Align-GVGD: "Class C0"). In summary, the available evidence is currently insufficient to determine the role of this variant in disease. Therefore, it has been classified as a Variant of Uncertain Significance.